The following is an entry in ClinVar:

ClinVar aggregate classification (germline): Likely benign (1 of 4 stars; one submission).

Conditions:
TTC21B-related disorder. Also called: TTC21B-related condition; TTC21B-related disorders.

Submission:

PreventionGenetics, part of Exact Sciences
Classification: Likely benign for TTC21B-related condition. Last evaluated: 2026-05-26. Review status: criteria provided, single submitter. Criteria: ACMG Guidelines, 2015. Collection method: clinical testing. Allele origin: germline.
Comment: This variant is classified as likely benign based on ACMG/AMP sequence variant interpretation guidelines (Richards et al. 2015 PMID: 25741868, with internal and published modifications).

NM_024753.5(TTC21B):c.2178T>G (p.Leu726=)

Gene: TTC21B (tetratricopeptide repeat domain 21B; minus strand). Cytogenetic location: 2q24.3.
Variant type: single nucleotide variant.
Coding change: c.2178T>G on transcript NM_024753.5 (MANE Select); coding-DNA position 2178, T replaced by G.
Protein change: p.Leu726=; no amino-acid change (leucine 726 retained).
Molecular consequence: synonymous variant.
Genome position (GRCh38, 1-based): chr2:165,913,607, A>C on the plus strand (T>G on the coding strand, the complement: TTC21B is on the minus strand). VCF-style: chr2-165913607-A-C. GRCh37 (hg19) VCF-style: chr2-166770117-A-C.
Identifiers: ClinVar variation 4993968 (VCV004993968.1).